The following is an entry in ClinVar:

NM_000350.3(ABCA4):c.4254-1G>C

Gene: ABCA4 (ATP binding cassette subfamily A member 4; minus strand). Cytogenetic location: 1p22.1.
Variant type: single nucleotide variant.
Coding change: c.4254-1G>C on transcript NM_000350.3 (MANE Select); the canonical splice acceptor site of the intron before coding-DNA position 4254, G replaced by C.
Molecular consequence: splice acceptor variant.
Genome position (GRCh38, 1-based): chr1:94,030,527, C>G on the plus strand (G>C on the coding strand, the complement: ABCA4 is on the minus strand). VCF-style: chr1-94030527-C-G. GRCh37 (hg19) VCF-style: chr1-94496083-C-G.
Identifiers: ClinVar variation 236111 (VCV000236111.6), dbSNP rs886044740, ClinGen allele CA10602431.

ClinVar aggregate classification (germline): Pathogenic. Review status: reviewed by expert panel (3 of 4 stars). 4 submissions from 3 submitters: Pathogenic (1). 3 of the submissions do not count toward it. Last evaluated 2026-06-23.

Conditions:
Severe early-childhood-onset retinal dystrophy (STGD1). Also called: Stargardt macular dystrophy; Juvenile onset macular degeneration; Stargardt disease 1; STGD; MACULAR DYSTROPHY WITH FLECKS, TYPE 1. Identifiers: Orphanet 364055, Orphanet 827, MedGen C1855465, MeSH D000080362, MONDO:0009549, OMIM 248200.
ABCA4-related retinopathy. Also called: ABCA4-related retinoapthy; ABCA4 retinoapthy. Identifiers: MedGen CN322612, MONDO:0800406.
Retinal dystrophy. Also called: Inherited retinal dystrophy. Identifiers: Orphanet 71862, MedGen C0854723, MeSH D058499, MONDO:0019118, HP:0000556.

Allele frequency attached by ClinVar (database versions not stated): gnomAD exomes below 0.00001.
gnomAD v4.1: 1 of 1,614,066 alleles (0.000062%); highest among the groups gnomAD compares: Non-Finnish European, 0.000085%; no homozygotes.

Submissions (4):

ClinGen ABCA4 Variant Curation Expert Panel, Clingen
Classification: Pathogenic for ABCA4-related retinopathy. Last evaluated: 2026-06-23. Review status: reviewed by expert panel. Criteria: ClinGen ABCA4 ACMG Specifications V1.0.0. Collection method: curation. Allele origin: germline. Inheritance: Autosomal recessive inheritance.
Comment: The NM_000350.3:c.4254-1G>C variant in ABCA4 occurs at a canonical splice site in intron 28 and is expected to disrupt splicing and trigger an exon-skipping event introducing a premature stop codon that is predicted to lead to nonsense-mediated decay in a gene in which loss-of-function is an established disease mechanism (PVS1). The total minor allele frequency in gnomAD v4.1.0 is 0.00000061955 (1/1614066 alleles), which is lower than the ClinGen ABCA4 VCEP’s threshold for PM2_Supporting (<0.0001). The prevalence of the variant in affected individuals is significantly increased compared with the prevalence in controls with an OR of infinity and CI of 2.24 to infinity, which is above the ABCA4 VCEP threshold of ≥5, where the CI does not contain 1 (PS4; PMID: 35120629). In summary, this variant meets the criteria to be classified as pathogenic for ABCA4-related retinopathy based on the ACMG/AMP criteria applied, as specified by the ClinGen ABCA4 VCEP (Specification Version 1): PVS1, PS4, PM2_Supporting.

Institute of Medical Genetics and Applied Genomics, University Hospital Tübingen
Classification: Likely pathogenic. Last evaluated: 2021-06-17. Review status: criteria provided, single submitter. Criteria: ACMG Guidelines, 2015. Collection method: clinical testing. Allele origin: germline. Inheritance: Autosomal recessive inheritance. Affected: yes. Not counted in ClinVar's aggregate classification.

Institute of Human Genetics, Univ. Regensburg, Univ. Regensburg
Classification: Pathogenic for Severe early-childhood-onset retinal dystrophy. Last evaluated: 2016-01-01. Review status: criteria provided, single submitter. Criteria: Schulz et al. (Invest Ophthalmol Vis Sci. 2017). Collection method: clinical testing. Allele origin: germline. Affected: yes. Observed: 1 heterozygote. Not counted in ClinVar's aggregate classification.

Institute of Human Genetics, Univ. Regensburg, Univ. Regensburg
Classification: Pathogenic for Retinal dystrophy. Last evaluated: 2015-01-01. Review status: criteria provided, single submitter. Criteria: ACMG Guidelines, 2015. Collection method: clinical testing. Allele origin: germline. Affected: yes. Not counted in ClinVar's aggregate classification.

Literature cited by the submitters: PubMed 28118664 (cited by Institute of Human Genetics, Univ. Regensburg, Univ. Regensburg); PubMed 29925512 (cited by Institute of Human Genetics, Univ. Regensburg, Univ. Regensburg); PubMed 32531858 (cited by Institute of Human Genetics, Univ. Regensburg, Univ. Regensburg).